The following is an entry in ClinVar:

ClinVar aggregate classification (germline): Uncertain significance. Review status: criteria provided, single submitter (1 of 4 stars). 2 submissions from 2 submitters: Uncertain significance (1). 1 of the submissions does not count toward it. Last evaluated 2021-11-26.

Conditions:
VPS13B-related disorder. Also called: VPS13B-related condition.
Cohen syndrome (COH1). Also called: Cutis verticis gyrata, retinitis pigmentosa, and sensorineural deafness; PEPPER SYNDROME. Identifiers: Orphanet 193, MedGen C0265223, MONDO:0008999, OMIM 216550.

Allele frequency attached by ClinVar (database versions not stated): gnomAD exomes below 0.00001; ExAC 0.00001; gnomAD 0.00001; TOPMed 0.00002.
gnomAD v4.1: 7 of 1,614,166 alleles (0.00043%); highest among the groups gnomAD compares: Non-Finnish European, 0.00051%; no homozygotes.

Submissions (2):

Labcorp Genetics (formerly Invitae), Labcorp
Classification: Uncertain significance for Cohen syndrome. Last evaluated: 2021-11-26. Review status: criteria provided, single submitter. Criteria: Invitae Variant Classification Sherloc (09022015). Collection method: clinical testing. Allele origin: germline.
Comment: This sequence change replaces leucine, which is neutral and non-polar, with phenylalanine, which is neutral and non-polar, at codon 1918 of the VPS13B protein (p.Leu1918Phe). This variant is present in population databases (rs758410065, gnomAD 0.0009%). This variant has not been reported in the literature in individuals affected with VPS13B-related conditions. Algorithms developed to predict the effect of missense changes on protein structure and function are either unavailable or do not agree on the potential impact of this missense change (SIFT: "Not Available"; PolyPhen-2: "Probably Damaging"; Align-GVGD: "Not Available"). In summary, the available evidence is currently insufficient to determine the role of this variant in disease. Therefore, it has been classified as a Variant of Uncertain Significance.

PreventionGenetics, part of Exact Sciences
Classification: Uncertain significance for VPS13B-related condition. Last evaluated: 2024-09-16. Review status: no assertion criteria provided. Collection method: clinical testing. Allele origin: germline. Not counted in ClinVar's aggregate classification.
Comment: The VPS13B c.5677C>T variant is predicted to result in the amino acid substitution p.Leu1893Phe. To our knowledge, this variant has not been reported in the literature. This variant is reported in 0.00088% of alleles in individuals of European (Non-Finnish) descent in gnomAD. At this time, the clinical significance of this variant is uncertain due to the absence of conclusive functional and genetic evidence.

NM_152564.5(VPS13B):c.5677C>T (p.Leu1893Phe)

Gene: VPS13B (vacuolar protein sorting 13 homolog B; plus strand). Cytogenetic location: 8q22.2.
Variant type: single nucleotide variant.
Coding change: c.5677C>T on transcript NM_152564.5 (MANE Select); coding-DNA position 5677, C replaced by T.
Protein change: p.Leu1893Phe; replaces leucine 1893 with phenylalanine.
Molecular consequence: missense variant.
Genome position (GRCh38, 1-based): chr8:99,642,267, C>T. VCF-style: chr8-99642267-C-T. GRCh37 (hg19) VCF-style: chr8-100654495-C-T.
Other names: c.5752C>T, p.Leu1918Phe (NM_017890.5); c.5677C>T (NM_152564.4); short protein forms L1918F, L1893F.
Identifiers: ClinVar variation 1422061 (VCV001422061.4), dbSNP rs758410065, ClinGen allele CA4823857.